The following is an entry in ClinVar:

NM_001543.5(NDST1):c.2062C>T (p.Arg688Trp)

Gene: NDST1 (N-deacetylase and N-sulfotransferase 1; plus strand). Cytogenetic location: 5q33.1.
Variant type: single nucleotide variant.
Coding change: c.2062C>T on transcript NM_001543.5 (MANE Select); coding-DNA position 2062, C replaced by T.
Protein change: p.Arg688Trp; replaces arginine 688 with tryptophan.
Molecular consequence: missense variant.
Genome position (GRCh38, 1-based): chr5:150,545,403, C>T. VCF-style: chr5-150545403-C-T. GRCh37 (hg19) VCF-style: chr5-149924965-C-T.
Other names: c.2062C>T, p.Arg688Trp (NM_001301063.2); c.2062C>T (NM_001543.4); short protein forms R688W.
Identifiers: ClinVar variation 1968302 (VCV001968302.6), dbSNP rs762416903, ClinGen allele CA3512866.

ClinVar aggregate classification (germline): Uncertain significance. Review status: criteria provided, multiple submitters, no conflicts (2 of 4 stars). 2 submissions from 2 submitters: Uncertain significance (2). Last evaluated 2023-11-03.

Conditions:
Inborn genetic diseases. Identifiers: MedGen C0950123, MeSH D030342.

Allele frequency attached by ClinVar (database versions not stated): gnomAD exomes 0.00003; gnomAD 0.00004; TOPMed 0.00004; ExAC 0.00005.

Submissions (2):

Ambry Genetics
Classification: Uncertain significance for Inborn genetic diseases. Last evaluated: 2023-11-03. Review status: criteria provided, single submitter. Criteria: Ambry Variant Classification Scheme 2023. Collection method: clinical testing. Allele origin: germline.

Labcorp Genetics (formerly Invitae), Labcorp
Classification: Uncertain significance. Last evaluated: 2022-02-20. Review status: criteria provided, single submitter. Criteria: Invitae Variant Classification Sherloc (09022015). Collection method: clinical testing. Allele origin: germline.
Comment: This variant has not been reported in the literature in individuals affected with NDST1-related conditions. Algorithms developed to predict the effect of missense changes on protein structure and function are either unavailable or do not agree on the potential impact of this missense change (SIFT: "Deleterious"; PolyPhen-2: "Possibly Damaging"; Align-GVGD: "Class C0"). In summary, the available evidence is currently insufficient to determine the role of this variant in disease. Therefore, it has been classified as a Variant of Uncertain Significance. This variant is present in population databases (rs762416903, gnomAD 0.01%). This sequence change replaces arginine, which is basic and polar, with tryptophan, which is neutral and slightly polar, at codon 688 of the NDST1 protein (p.Arg688Trp).